The following is an entry in ClinVar:

ClinVar aggregate classification (germline): Pathogenic (1 of 4 stars; one submission).

Conditions:
Hereditary nonpolyposis colorectal neoplasms. Identifiers: MedGen C0009405, MeSH D003123.

Submission:

Labcorp Genetics (formerly Invitae), Labcorp
Classification: Pathogenic for Hereditary nonpolyposis colorectal neoplasms. Last evaluated: 2021-04-27. Review status: criteria provided, single submitter. Criteria: Invitae Variant Classification Sherloc (09022015). Collection method: clinical testing. Allele origin: germline.
Comment: This variant has not been reported in the literature in individuals with PMS2-related conditions. For these reasons, this variant has been classified as Pathogenic. This variant is a gross deletion of the genomic region encompassing exon(s) 1-4 of the PMS2 gene, which includes the initiator codon. The 5' end of this event is unknown as it extends beyond the assayed region for this gene and therefore may encompass additional genes. The 3' boundary is likely confined to intron 4 of the PMS2 gene. It is expected to result in an absent or disrupted protein product. Loss-of-function variants in PMS2 are known to be pathogenic (PMID: 21376568, 24362816).

Literature cited by the submitters: PubMed 21376568; PubMed 24362816.

NC_000007.13:g.(?_6043311)_(6049099_?)del

Genes: AIMP2 (aminoacyl tRNA synthetase complex interacting multifunctional protein 2; plus strand), PMS2 (PMS1 homolog 2, mismatch repair system component; minus strand). Cytogenetic location: 7p22.1.
Variant type: Deletion.
Identifiers: ClinVar variation 1384204 (VCV001384204.4).